The following is an entry in ClinVar:

NM_002778.4(PSAP):c.1261C>T (p.Arg421Cys)

Gene: PSAP (prosaposin; minus strand). Cytogenetic location: 10q22.1.
Variant type: single nucleotide variant.
Coding change: c.1261C>T on transcript NM_002778.4 (MANE Select); coding-DNA position 1261, C replaced by T.
Protein change: p.Arg421Cys; replaces arginine 421 with cysteine.
Molecular consequence: missense variant.
Genome position (GRCh38, 1-based): chr10:71,819,554, G>A on the plus strand (C>T on the coding strand, the complement: PSAP is on the minus strand). VCF-style: chr10-71819554-G-A. GRCh37 (hg19) VCF-style: chr10-73579311-G-A.
Other names: c.1270C>T, p.Arg424Cys (NM_001042465.3); c.1267C>T, p.Arg423Cys (NM_001042466.3); short protein forms R421C, R424C, R423C.
Identifiers: ClinVar variation 300512 (VCV000300512.7), dbSNP rs529719024, ClinGen allele CA5547418.

ClinVar aggregate classification (germline): Conflicting classifications of pathogenicity. Review status: criteria provided, conflicting classifications (1 of 4 stars). 6 submissions from 3 submitters: Uncertain significance (5); Benign (1). Last evaluated 2025-06-30.

Conditions:
Krabbe disease due to saposin A deficiency. Also called: Saposin A Deficiency; KRABBE DISEASE, ATYPICAL, DUE TO SAPOSIN A DEFICIENCY. Identifiers: Orphanet 487, MedGen C2673266, MONDO:0012720, OMIM 611722.
Combined PSAP deficiency (PSAPD). Also called: COMBINED SAP DEFICIENCY; PROSAPOSIN DEFICIENCY; Encephalopathy due to prosaposin deficiency. Identifiers: Orphanet 139406, MedGen C2673635, MONDO:0012719, OMIM 611721.
Gaucher disease due to saposin C deficiency. Also called: Atypical Gaucher disease due to saposin C deficiency; Saposin C Deficiency. Identifiers: Orphanet 309252, Orphanet 355, MedGen C1864651, MONDO:0012517, OMIM 610539.
Sphingolipid activator protein 1 deficiency. Also called: Saposin B Deficiency; METACHROMATIC LEUKODYSTROPHY DUE TO CEREBROSIDE SULFATASE ACTIVATOR DEFICIENCY; Metachromatic leukodystrophy due to saposin B deficiency. Identifiers: Orphanet 512, MedGen C0268262, MONDO:0009590, OMIM 249900.
Inborn genetic diseases. Identifiers: MedGen C0950123, MeSH D030342.

Allele frequency attached by ClinVar (database versions not stated): gnomAD 0.00001; gnomAD exomes 0.00001; 1000 Genomes Project 30x 0.00016; 1000 Genomes Project 0.00020.
gnomAD v4.1: 15 of 1,614,184 alleles (0.00093%); highest among the groups gnomAD compares: South Asian, 0.0066%; no homozygotes.

Submissions (6):

Ambry Genetics
Classification: Uncertain significance for Inborn genetic diseases. Last evaluated: 2025-06-30. Review status: criteria provided, single submitter. Criteria: Ambry Variant Classification Scheme 2023. Collection method: clinical testing. Allele origin: germline.

Labcorp Genetics (formerly Invitae), Labcorp
Classification: Uncertain significance for Sphingolipid activator protein 1 deficiency. Last evaluated: 2022-08-23. Review status: criteria provided, single submitter. Criteria: Invitae Variant Classification Sherloc (09022015). Collection method: clinical testing. Allele origin: germline.
Comment: This sequence change replaces arginine, which is basic and polar, with cysteine, which is neutral and slightly polar, at codon 421 of the PSAP protein (p.Arg421Cys). This variant is present in population databases (rs529719024, gnomAD 0.01%). This variant has not been reported in the literature in individuals affected with PSAP-related conditions. ClinVar contains an entry for this variant (Variation ID: 300512). Algorithms developed to predict the effect of missense changes on protein structure and function are either unavailable or do not agree on the potential impact of this missense change (SIFT: "Not Available"; PolyPhen-2: "Possibly Damaging"; Align-GVGD: "Not Available"). In summary, the available evidence is currently insufficient to determine the role of this variant in disease. Therefore, it has been classified as a Variant of Uncertain Significance.

Illumina Laboratory Services, Illumina
Classification: Uncertain significance for Combined PSAP deficiency. Last evaluated: 2018-01-13. Review status: criteria provided, single submitter. Criteria: ICSL Variant Classification Criteria 13 December 2019. Collection method: clinical testing. Allele origin: germline.

Illumina Laboratory Services, Illumina
Classification: Uncertain significance for Krabbe disease due to saposin A deficiency. Last evaluated: 2018-01-13. Review status: criteria provided, single submitter. Criteria: ICSL Variant Classification Criteria 13 December 2019. Collection method: clinical testing. Allele origin: germline.

Illumina Laboratory Services, Illumina
Classification: Benign for Gaucher disease due to saposin C deficiency. Last evaluated: 2018-01-13. Review status: criteria provided, single submitter. Criteria: ICSL Variant Classification Criteria 13 December 2019. Collection method: clinical testing. Allele origin: germline.
Comment: This variant was observed in the ICSL laboratory as part of a predisposition screen in an ostensibly healthy population. It had not been previously curated by ICSL or reported in the Human Gene Mutation Database (HGMD: prior to June 1st, 2018), and was therefore a candidate for classification through an automated scoring system. Utilizing variant allele frequency, disease prevalence and penetrance estimates, and inheritance mode, an automated score was calculated to assess if this variant is too frequent to cause the disease. Based on the score and internal cut-off values, a variant classified as benign is not then subjected to further curation. The score for this variant resulted in a classification of benign for this disease.

Illumina Laboratory Services, Illumina
Classification: Uncertain significance for Sphingolipid activator protein 1 deficiency. Last evaluated: 2018-01-13. Review status: criteria provided, single submitter. Criteria: ICSL Variant Classification Criteria 13 December 2019. Collection method: clinical testing. Allele origin: germline.